The following is an entry in ClinVar:

NM_015331.3(NCSTN):c.1102-3C>A

Gene: NCSTN (nicastrin; plus strand). Cytogenetic location: 1q23.2.
Variant type: single nucleotide variant.
Coding change: c.1102-3C>A on transcript NM_015331.3 (MANE Select); 3 bases into the intron before coding-DNA position 1102, C replaced by A.
Molecular consequence: intron variant.
Genome position (GRCh38, 1-based): chr1:160,353,157, C>A. VCF-style: chr1-160353157-C-A. GRCh37 (hg19) VCF-style: chr1-160322947-C-A.
Other names: c.1042-3C>A (NM_001290184.2); c.1102-3C>A (NM_001349729.2); c.688-3C>A (NM_001290186.2).
Identifiers: ClinVar variation 3353260 (VCV003353260.3).
Genomic context (GRCh38, chr1:160,353,157, plus strand): 5'-CCCCTAGGCATGGCCCAGAACAGGAGACTGATTCTAAGTGTTGTTTCTTCATCCTCCCCC[C>A]AGGTGGCCTTAAGAACTTCATTAGAGCTTTGGATGCACACAGATCCTGTTTCTCAGAAAA-3'

ClinVar aggregate classification (germline): Uncertain significance. Review status: criteria provided, single submitter (1 of 4 stars). 2 submissions from 2 submitters: Uncertain significance (1). 1 of the submissions does not count toward it. Last evaluated 2024-10-23.

Conditions:
NCSTN-related disorder. Also called: NCSTN-related condition.

gnomAD v4.1: 11 of 1,613,938 alleles (0.00068%); highest among the groups gnomAD compares: African/African-American, 0.0013%; no homozygotes.

Submissions (2):

Labcorp Genetics (formerly Invitae), Labcorp
Classification: Uncertain significance. Last evaluated: 2024-10-23. Review status: criteria provided, single submitter. Criteria: Invitae Variant Classification Sherloc (09022015). Collection method: clinical testing. Allele origin: germline.
Comment: This sequence change falls in intron 9 of the NCSTN gene. It does not directly change the encoded amino acid sequence of the NCSTN protein. It affects a nucleotide within the consensus splice site. This variant is present in population databases (no rsID available, gnomAD 0.002%). This variant has not been reported in the literature in individuals affected with NCSTN-related conditions. Variants that disrupt the consensus splice site are a relatively common cause of aberrant splicing (PMID: 17576681, 9536098). Algorithms developed to predict the effect of sequence changes on RNA splicing suggest that this variant is not likely to affect RNA splicing. In summary, the available evidence is currently insufficient to determine the role of this variant in disease. Therefore, it has been classified as a Variant of Uncertain Significance.

PreventionGenetics, part of Exact Sciences
Classification: Likely benign for NCSTN-related condition. Last evaluated: 2024-08-30. Review status: no assertion criteria provided. Collection method: clinical testing. Allele origin: germline. Not counted in ClinVar's aggregate classification.
Comment: This variant is classified as likely benign based on ACMG/AMP sequence variant interpretation guidelines (Richards et al. 2015 PMID: 25741868, with internal and published modifications).

Literature cited by the submitters: PubMed 17576681 (cited by Labcorp Genetics (formerly Invitae), Labcorp); PubMed 9536098 (cited by Labcorp Genetics (formerly Invitae), Labcorp).